The following is an entry in ClinVar:

NM_005159.5(ACTC1):c.826A>T (p.Ile276Phe)

Genes: ACTC1 (actin alpha cardiac muscle 1; minus strand), GJD2-DT (GJD2 divergent transcript; plus strand). Cytogenetic location: 15q14.
Variant type: single nucleotide variant.
Coding change: c.826A>T on transcript NM_005159.5 (MANE Select); coding-DNA position 826, A replaced by T.
Protein change: p.Ile276Phe; replaces isoleucine 276 with phenylalanine.
Molecular consequence: missense variant.
Genome position (GRCh38, 1-based): chr15:34,791,278, T>A on the plus strand (A>T on the coding strand, the complement: ACTC1 is on the minus strand). VCF-style: chr15-34791278-T-A. GRCh37 (hg19) VCF-style: chr15-35083479-T-A.
Other names: c.826A>T, p.Ile276Phe (NM_001406482.1, NM_001406483.1); c.691A>T, p.Ile231Phe (NM_001406484.1); c.385A>T, p.Ile129Phe (NM_001406485.1); short protein forms I129F, I231F, I276F.
Identifiers: ClinVar variation 3894292 (VCV003894292.1).

ClinVar aggregate classification (germline): Uncertain significance (1 of 4 stars; one submission).

Conditions:
Cardiomyopathy (CMYO). Also called: Cardiomyopathies. Identifiers: Orphanet 167848, MedGen C0878544, MONDO:0004994, HP:0001638. Inheritance: Various modes of inheritance.

Submission:

Color Diagnostics, LLC DBA Color Health
Classification: Uncertain significance for Cardiomyopathy. Last evaluated: 2025-04-06. Review status: criteria provided, single submitter. Criteria: ACMG Guidelines, 2015. Collection method: clinical testing. Allele origin: germline.
Comment: This missense variant replaces isoleucine with phenylalanine at codon 276 of the ACTC1 protein. Computational prediction suggests that this variant may have deleterious impact on protein structure and function (internally defined REVEL score threshold >= 0.7, PMID: 27666373). To our knowledge, functional studies have not been reported for this variant. This variant has not been reported in individuals affected with ACTC1-related disorders in the literature. This variant has not been identified in the general population by the Genome Aggregation Database (gnomAD). The available evidence is insufficient to determine the role of this variant in disease conclusively. Therefore, this variant is classified as a Variant of Uncertain Significance.